The following is an entry in ClinVar:

ClinVar aggregate classification (germline): Uncertain significance. Review status: criteria provided, multiple submitters, no conflicts (2 of 4 stars). 3 submissions from 3 submitters: Uncertain significance (3). Last evaluated 2024-09-10.

Conditions:
Inborn genetic diseases. Identifiers: MedGen C0950123, MeSH D030342.

Allele frequency attached by ClinVar (database versions not stated): gnomAD exomes 0.00002 and 0.00004; ExAC 0.00006; gnomAD 0.00006 and 0.00007; TOPMed 0.00008; 1000 Genomes Project 0.00020; 1000 Genomes Project 30x 0.00031.
gnomAD v4.1: 34 of 1,613,644 alleles (0.0021%); highest among the groups gnomAD compares: African/African-American, 0.02%; no homozygotes.

Submissions (3):

Ambry Genetics
Classification: Uncertain significance for Inborn genetic diseases. Last evaluated: 2024-09-10. Review status: criteria provided, single submitter. Criteria: Ambry Variant Classification Scheme 2023. Collection method: clinical testing. Allele origin: germline.

Labcorp Genetics (formerly Invitae), Labcorp
Classification: Uncertain significance. Last evaluated: 2022-06-07. Review status: criteria provided, single submitter. Criteria: Invitae Variant Classification Sherloc (09022015). Collection method: clinical testing. Allele origin: germline.
Comment: This sequence change replaces cysteine, which is neutral and slightly polar, with arginine, which is basic and polar, at codon 306 of the ARHGEF18 protein (p.Cys306Arg). This variant is present in population databases (rs574915464, gnomAD 0.03%). This variant has not been reported in the literature in individuals affected with ARHGEF18-related conditions. ClinVar contains an entry for this variant (Variation ID: 1000419). Algorithms developed to predict the effect of missense changes on protein structure and function are either unavailable or do not agree on the potential impact of this missense change (SIFT: "Deleterious"; PolyPhen-2: "Probably Damaging"; Align-GVGD: "Class C0"). In summary, the available evidence is currently insufficient to determine the role of this variant in disease. Therefore, it has been classified as a Variant of Uncertain Significance.

Breakthrough Genomics
Classification: Uncertain significance. Review status: criteria provided, single submitter. Criteria: ACMG Guidelines, 2015. Collection method: not provided. Allele origin: germline. Inheritance: Autosomal recessive inheritance. Affected: yes.

NM_001367823.1(ARHGEF18):c.1480T>C (p.Cys494Arg)

Gene: ARHGEF18 (Rho/Rac guanine nucleotide exchange factor 18; plus strand). Cytogenetic location: 19p13.2.
Variant type: single nucleotide variant.
Coding change: c.1480T>C on transcript NM_001367823.1 (MANE Select); coding-DNA position 1480, T replaced by C.
Protein change: p.Cys494Arg; replaces cysteine 494 with arginine.
Molecular consequence: missense variant.
Genome position (GRCh38, 1-based): chr19:7,444,323, T>C. VCF-style: chr19-7444323-T-C. GRCh37 (hg19) VCF-style: chr19-7509209-T-C.
Other names: c.754T>C, p.Cys252Arg (NM_001130955.2); c.442T>C, p.Cys148Arg (NM_001367824.1, NM_015318.4); c.916T>C (NM_001130955.1); short protein forms C148R, C252R, C494R.
Identifiers: ClinVar variation 1000419 (VCV001000419.8), dbSNP rs574915464, ClinGen allele CA9136481.